The following is an entry in ClinVar:

ClinVar aggregate classification (germline): Uncertain significance (1 of 4 stars; one submission).

Allele frequency attached by ClinVar (database versions not stated): ExAC 0.00033.

Submission:

Laboratory for Molecular Medicine, Mass General Brigham Personalized Medicine
Classification: Uncertain significance. Last evaluated: 2016-03-29. Review status: criteria provided, single submitter. Criteria: LMM Criteria. Collection method: clinical testing. Allele origin: germline.
Comment: Variant identified in a genome or exome case(s) and assessed due to predicted null impact of the variant or pathogenic assertions in the literature or databases. Disclaimer: This variant has not undergone full assessment. The following are preliminary notes: Variant has not been reported or identified in large population studies.

NM_017617.5(NOTCH1):c.4319T>C (p.Ile1440Thr)

Gene: NOTCH1 (notch receptor 1; minus strand). Cytogenetic location: 9q34.3.
Variant type: single nucleotide variant.
Coding change: c.4319T>C on transcript NM_017617.5 (MANE Select); coding-DNA position 4319, T replaced by C.
Protein change: p.Ile1440Thr; replaces isoleucine 1440 with threonine.
Molecular consequence: missense variant.
Genome position (GRCh38, 1-based): chr9:136,505,577, A>G on the plus strand (T>C on the coding strand, the complement: NOTCH1 is on the minus strand). VCF-style: chr9-136505577-A-G. GRCh37 (hg19) VCF-style: chr9-139400029-A-G.
Other names: short protein forms I1440T.
Identifiers: ClinVar variation 403253 (VCV000403253.4), dbSNP rs778742968, ClinGen allele CA5340644.
Genomic context (GRCh38, chr9:136,505,577, plus strand): 5'-TTGCCCGCGTCCTCCTGGCACTCGGGCAGCTCGCACGCCTCCTCGATCAGCGGCGGGGGG[A>G]TGTCGCGCCCGGCCCCACCCCCGAAGCTGTAGTCCAGGATGTGGCACAAGAGCCCGTTGA-3'
Protein context (NP_060087.3, residues 1430-1450): YSFGGGAGRD[Ile1440Thr]PPPLIEEACE